The following is an entry in ClinVar:

ClinVar aggregate classification (germline): Conflicting classifications of pathogenicity. Review status: criteria provided, conflicting classifications (1 of 4 stars). 3 submissions from 3 submitters: Likely pathogenic (2); Uncertain significance (1). Last evaluated 2025-05-12.

Conditions:
Dystonic disorder. Also called: Dystonia. Identifiers: MedGen C0013421, MONDO:0003441, HP:0001332.
Niemann-Pick disease, type C1. Also called: NEUROVISCERAL STORAGE DISEASE WITH VERTICAL SUPRANUCLEAR OPHTHALMOPLEGIA; NIEMANN-PICK DISEASE WITH CHOLESTEROL ESTERIFICATION BLOCK; NIEMANN-PICK DISEASE WITHOUT SPHINGOMYELINASE DEFICIENCY; NIEMANN-PICK DISEASE, CHRONIC NEURONOPATHIC FORM; NIEMANN-PICK DISEASE, VARIANT TYPE C1. Identifiers: Orphanet 646, MedGen C3179455, MONDO:0009757, OMIM 257220.

Submissions (3):

Women's Health and Genetics/Laboratory Corporation of America, LabCorp
Classification: Uncertain significance. Last evaluated: 2025-05-12. Review status: criteria provided, single submitter. Criteria: LabCorp Variant Classification Summary - May 2015. Collection method: clinical testing. Allele origin: germline.
Comment: Variant summary: NPC1 c.3560C>G (p.Ala1187Gly) results in a non-conservative amino acid change in the encoded protein sequence. Algorithms developed to predict the effect of missense changes on protein structure and function all suggest that this variant is likely to be disruptive. The variant was absent in 251064 control chromosomes. c.3560C>G has been observed in at-least one individual affected with Niemann-Pick Disease Type C (Reunert_2016). These data do not allow any conclusion about variant significance. To our knowledge, no experimental evidence demonstrating an impact on protein function has been reported. Additionally, at least one variant at the Ala1187 residue has been reported as Likely Pathogenic in ClinVar (p.Ala1187Val), suggesting that this codon is functionally important (Almenabawy_2024). These data indicate that the variant is very likely to be associated with disease. The following publications have been ascertained in the context of this evaluation (PMID: 38549495, 26981555). ClinVar contains an entry for this variant (Variation ID: 374166). Based on the evidence outlined above, the variant was classified as VUS-possibly pathogenic.

Labcorp Genetics (formerly Invitae), Labcorp
Classification: Likely pathogenic for Niemann-Pick disease, type C1. Last evaluated: 2023-11-25. Review status: criteria provided, single submitter. Criteria: Invitae Variant Classification Sherloc (09022015). Collection method: clinical testing. Allele origin: germline.
Comment: This sequence change replaces alanine, which is neutral and non-polar, with glycine, which is neutral and non-polar, at codon 1187 of the NPC1 protein (p.Ala1187Gly). This variant is not present in population databases (gnomAD no frequency). This missense change has been observed in individual(s) with Niemann-Pick type C (PMID: 26981555). ClinVar contains an entry for this variant (Variation ID: 374166). Advanced modeling of protein sequence and biophysical properties (such as structural, functional, and spatial information, amino acid conservation, physicochemical variation, residue mobility, and thermodynamic stability) performed at Invitae indicates that this missense variant is expected to disrupt NPC1 protein function with a positive predictive value of 95%. In summary, the currently available evidence indicates that the variant is pathogenic, but additional data are needed to prove that conclusively. Therefore, this variant has been classified as Likely Pathogenic.

Centre for Mendelian Genomics, University Medical Centre Ljubljana
Classification: Likely pathogenic for Dystonic disorder. Last evaluated: 2014-09-19. Review status: criteria provided, single submitter. Criteria: ACMG Guidelines, 2015. Collection method: clinical testing. Allele origin: unknown. Affected: yes.

Literature cited by the submitters: PubMed 26981555 (cited by Women's Health and Genetics/Laboratory Corporation of America, LabCorp and Labcorp Genetics (formerly Invitae), Labcorp); PubMed 38549495 (cited by Women's Health and Genetics/Laboratory Corporation of America, LabCorp).

NM_000271.5(NPC1):c.3560C>G (p.Ala1187Gly)

Gene: NPC1 (NPC intracellular cholesterol transporter 1; minus strand). Cytogenetic location: 18q11.2.
Variant type: single nucleotide variant.
Coding change: c.3560C>G on transcript NM_000271.5 (MANE Select); coding-DNA position 3560, C replaced by G.
Protein change: p.Ala1187Gly; replaces alanine 1187 with glycine.
Molecular consequence: missense variant.
Genome position (GRCh38, 1-based): chr18:23,534,477, G>C on the plus strand (C>G on the coding strand, the complement: NPC1 is on the minus strand). VCF-style: chr18-23534477-G-C. GRCh37 (hg19) VCF-style: chr18-21114441-G-C.
Other names: short protein forms A1187G.
Identifiers: ClinVar variation 374166 (VCV000374166.10), dbSNP rs113371321, ClinGen allele CA16043538.
Genomic context (GRCh38, chr18:23,534,477, plus strand): 5'-GCCGGCGTGGCCCTGCTCAGGGTACTCACGGAGCTGCCCATGTGGGCAAGTGCCTCTTCC[G>C]CGCGCTCCACGCGGCTGCCTTTCATGCTCACCGTGAACGCTCTGGTTATGTGGCTGCAGA-3'
Protein context (NP_000262.2, residues 1177-1197): VSMKGSRVER[Ala1187Gly]EEALAHMGSS